The following is an entry in ClinVar:

ClinVar aggregate classification (germline): Uncertain significance (1 of 4 stars; one submission).

Conditions:
Hyper-IgM syndrome type 5 (HIGM5). Also called: Hyper-IgM Immunodeficiency Syndrome, Type 5. Identifiers: Orphanet 101092, MedGen C1720958, MONDO:0011971, OMIM 608106.

Submission:

ARUP Laboratories, Molecular Genetics and Genomics, ARUP Laboratories
Classification: Uncertain significance for Hyper-IgM syndrome type 5. Last evaluated: 2024-04-19. Review status: criteria provided, single submitter. Criteria: ARUP Molecular Germline Variant Investigation Process 2024. Collection method: clinical testing. Allele origin: germline.
Comment: The UNG c.114G>C; p.Glu38Asp variant (rs1442284730), to our knowledge, is not reported in the medical literature or gene specific databases. This variant is also absent from the Genome Aggregation Database (v2.1.1), indicating it is not a common polymorphism. Computational analyses predict that this variant is neutral (REVEL: 0.072). Due to limited information, the clinical significance of this variant is uncertain at this time.

NM_080911.3(UNG):c.114G>C (p.Glu38Asp)

Genes: UNG (uracil DNA glycosylase; plus strand), LOC130008712 (ATAC-STARR-seq lymphoblastoid silent region 4838; plus strand). Cytogenetic location: 12q24.11.
Variant type: single nucleotide variant.
Coding change: c.114G>C on transcript NM_080911.3 (MANE Select); coding-DNA position 114, G replaced by C.
Protein change: p.Glu38Asp; replaces glutamic acid 38 with aspartic acid.
Molecular consequence: missense variant.
Genome position (GRCh38, 1-based): chr12:109,097,793, G>C. VCF-style: chr12-109097793-G-C. GRCh37 (hg19) VCF-style: chr12-109535598-G-C.
Other names: short protein forms E38D.
Identifiers: ClinVar variation 3766575 (VCV003766575.1).